The following is an entry in ClinVar:

ClinVar aggregate classification (germline): Uncertain significance (1 of 4 stars; one submission).

Conditions:
Peutz-Jeghers syndrome (PJS). Also called: Peutz-Jeghers polyposis; Periorificial lentiginosis syndrome; POLYPOSIS, HAMARTOMATOUS INTESTINAL; POLYPS-AND-SPOTS SYNDROME. Identifiers: Orphanet 2869, MedGen C0031269, MeSH D010580, MONDO:0008280, OMIM 175200.

Allele frequency attached by ClinVar (database versions not stated): TOPMed below 0.00001; gnomAD 0.00001.

Submission:

Labcorp Genetics (formerly Invitae), Labcorp
Classification: Uncertain significance for Peutz-Jeghers syndrome. Last evaluated: 2024-05-15. Review status: criteria provided, single submitter. Criteria: Invitae Variant Classification Sherloc (09022015). Collection method: clinical testing. Allele origin: germline.
Comment: This sequence change replaces alanine, which is neutral and non-polar, with valine, which is neutral and non-polar, at codon 93 of the STK11 protein (p.Ala93Val). This variant is not present in population databases (gnomAD no frequency). This variant has not been reported in the literature in individuals affected with STK11-related conditions. ClinVar contains an entry for this variant (Variation ID: 1388506). Advanced modeling of protein sequence and biophysical properties (such as structural, functional, and spatial information, amino acid conservation, physicochemical variation, residue mobility, and thermodynamic stability) performed at Invitae indicates that this missense variant is not expected to disrupt STK11 protein function with a negative predictive value of 95%. In summary, the available evidence is currently insufficient to determine the role of this variant in disease. Therefore, it has been classified as a Variant of Uncertain Significance.

NM_000455.5(STK11):c.278C>T (p.Ala93Val)

Gene: STK11 (serine/threonine kinase 11; plus strand). Cytogenetic location: 19p13.3.
Variant type: single nucleotide variant.
Coding change: c.278C>T on transcript NM_000455.5 (MANE Select); coding-DNA position 278, C replaced by T.
Protein change: p.Ala93Val; replaces alanine 93 with valine.
Molecular consequence: missense variant.
Genome position (GRCh38, 1-based): chr19:1,207,191, C>T. VCF-style: chr19-1207191-C-T. GRCh37 (hg19) VCF-style: chr19-1207190-C-T.
Other names: short protein forms A93V.
Identifiers: ClinVar variation 1388506 (VCV001388506.8), dbSNP rs2080673476, ClinGen allele CA402944615.